The following is an entry in ClinVar:

ClinVar aggregate classification (germline): Uncertain significance (1 of 4 stars; one submission).

Conditions:
Cardiovascular phenotype. Identifiers: MedGen CN230736.

Submission:

Ambry Genetics
Classification: Uncertain significance for Cardiovascular phenotype. Last evaluated: 2026-07-13. Review status: criteria provided, single submitter. Criteria: Ambry Variant Classification Scheme 2023. Collection method: clinical testing. Allele origin: germline.
Comment: The p.T3784A variant (also known as c.11350A>G), located in coding exon 43 of the ANK2 gene, results from an A to G substitution at nucleotide position 11350. The threonine at codon 3784 is replaced by alanine, an amino acid with similar properties. This amino acid position is conserved. In addition, this alteration is predicted to be tolerated by in silico analysis. Based on the available evidence, the clinical significance of this variant remains unclear.

NM_001148.6(ANK2):c.11350A>G (p.Thr3784Ala)

Gene: ANK2 (ankyrin 2; plus strand). Cytogenetic location: 4q26.
Variant type: single nucleotide variant.
Coding change: c.11350A>G on transcript NM_001148.6 (MANE Select); coding-DNA position 11350, A replaced by G.
Protein change: p.Thr3784Ala; replaces threonine 3784 with alanine.
Molecular consequence: missense variant.
Genome position (GRCh38, 1-based): chr4:113,369,545, A>G. VCF-style: chr4-113369545-A-G. GRCh37 (hg19) VCF-style: chr4-114290701-A-G.
Other names: c.11467A>G, p.Thr3823Ala (NM_001386175.1); c.5080A>G, p.Thr1694Ala (NM_001386186.2, NM_001386148.2); c.4960A>G, p.Thr1654Ala (NM_001386187.2); c.5095A>G, p.Thr1699Ala (NM_020977.5); c.5029A>G, p.Thr1677Ala (NM_001386161.1, NM_001354244.2, NM_001354256.2); c.4909A>G, p.Thr1637Ala (NM_001386162.1, NM_001354266.2, NM_001354267.2 and 2 more transcripts); c.7750A>G, p.Thr2584Ala (NM_001386166.1); c.1495A>G, p.Thr499Ala (NM_001386167.1); and 35 more; short protein forms T1637A, T1641A, T1656A, T1665A, T1677A, T1699A, T1703A, T1711A.
Identifiers: ClinVar variation 5021969 (VCV005021969.1).
Genomic context (GRCh38, chr4:113,369,545, plus strand): 5'-TGAAGTCTCATTTGGCTTTTTGATTCCAGTGTGACAACTCCAGGAACAGAAACATCAGAG[A>G]CTCAGAAGGCTATGATAGTACCCAGCTCTCCCAGCAAGACACCTGAGGAAGTTAGCACCC-3'
Protein context (NP_001139.3, residues 3774-3794): VTTPGTETSE[Thr3784Ala]QKAMIVPSSP